The following is an entry in ClinVar:

ClinVar aggregate classification (germline): Uncertain significance. Review status: criteria provided, multiple submitters, no conflicts (2 of 4 stars). 3 submissions from 3 submitters: Uncertain significance (3). Last evaluated 2024-04-11.

Conditions:
Hereditary cancer-predisposing syndrome. Also called: Neoplastic Syndromes, Hereditary; Hereditary Cancer Syndrome; Hereditary neoplastic syndrome; Tumor predisposition. Identifiers: Orphanet 140162, MedGen C0027672, MeSH D009386, MONDO:0015356.
Peutz-Jeghers syndrome (PJS). Also called: Peutz-Jeghers polyposis; Periorificial lentiginosis syndrome; POLYPOSIS, HAMARTOMATOUS INTESTINAL; POLYPS-AND-SPOTS SYNDROME. Identifiers: Orphanet 2869, MedGen C0031269, MeSH D010580, MONDO:0008280, OMIM 175200.

Allele frequency attached by ClinVar (database versions not stated): gnomAD exomes below 0.00001; gnomAD 0.00001; TOPMed 0.00001.
gnomAD v4.1: 4 of 1,610,048 alleles (0.00025%); highest among the groups gnomAD compares: Non-Finnish European, 0.00034%; no homozygotes.

Submissions (3):

Labcorp Genetics (formerly Invitae), Labcorp
Classification: Uncertain significance for Peutz-Jeghers syndrome. Last evaluated: 2024-04-11. Review status: criteria provided, single submitter. Criteria: Invitae Variant Classification Sherloc (09022015). Collection method: clinical testing. Allele origin: germline.
Comment: This sequence change replaces glycine, which is neutral and non-polar, with serine, which is neutral and polar, at codon 279 of the STK11 protein (p.Gly279Ser). This variant is not present in population databases (gnomAD no frequency). This variant has not been reported in the literature in individuals affected with STK11-related conditions. ClinVar contains an entry for this variant (Variation ID: 142609). Advanced modeling of protein sequence and biophysical properties (such as structural, functional, and spatial information, amino acid conservation, physicochemical variation, residue mobility, and thermodynamic stability) performed at Invitae indicates that this missense variant is not expected to disrupt STK11 protein function with a negative predictive value of 95%. In summary, the available evidence is currently insufficient to determine the role of this variant in disease. Therefore, it has been classified as a Variant of Uncertain Significance.

Ambry Genetics
Classification: Uncertain significance for Hereditary cancer-predisposing syndrome. Last evaluated: 2024-03-26. Review status: criteria provided, single submitter. Criteria: Ambry Variant Classification Scheme 2023. Collection method: clinical testing. Allele origin: germline.
Comment: The p.G279S variant (also known as c.835G>A), located in coding exon 6 of the STK11 gene, results from a G to A substitution at nucleotide position 835. The glycine at codon 279 is replaced by serine, an amino acid with similar properties. This amino acid position is highly conserved in available vertebrate species. In addition, the in silico prediction for this alteration is inconclusive. Based on the available evidence, the clinical significance of this alteration remains unclear.

All of Us Research Program, National Institutes of Health
Classification: Uncertain significance for Peutz-Jeghers syndrome. Last evaluated: 2023-03-28. Review status: criteria provided, single submitter. Criteria: ACMG Guidelines, 2015. Collection method: clinical testing. Allele origin: germline. Inheritance: Autosomal dominant inheritance. Observed: 1 variant allele, 1 heterozygote.
Comment: This study involves interpretation of variants in research participants for the purpose of population health screening. Participant phenotype was not available at the time of variant classification. Additional details can be found in publication PMID: 35346344, PMCID: PMC8962531

NM_000455.5(STK11):c.835G>A (p.Gly279Ser)

Gene: STK11 (serine/threonine kinase 11; plus strand). Cytogenetic location: 19p13.3.
Variant type: single nucleotide variant.
Coding change: c.835G>A on transcript NM_000455.5 (MANE Select); coding-DNA position 835, G replaced by A.
Protein change: p.Gly279Ser; replaces glycine 279 with serine.
Molecular consequence: missense variant.
Genome position (GRCh38, 1-based): chr19:1,221,313, G>A. VCF-style: chr19-1221313-G-A. GRCh37 (hg19) VCF-style: chr19-1221312-G-A.
Other names: short protein forms G279S.
Identifiers: ClinVar variation 142609 (VCV000142609.8), dbSNP rs587782584, ClinGen allele CA023294.